The following is an entry in ClinVar:

NM_001011547.3(SLC5A9):c.825C>T (p.Ser275=)

Gene: SLC5A9 (solute carrier family 5 member 9; plus strand). Cytogenetic location: 1p33.
Variant type: single nucleotide variant.
Coding change: c.825C>T on transcript NM_001011547.3 (MANE Select); coding-DNA position 825, C replaced by T.
Protein change: p.Ser275=; no amino-acid change (serine 275 retained).
Molecular consequence: synonymous variant.
Genome position (GRCh38, 1-based): chr1:48,232,079, C>T. VCF-style: chr1-48232079-C-T. GRCh37 (hg19) VCF-style: chr1-48697751-C-T.
Other names: c.900C>T, p.Ser300= (NM_001135181.2).
Identifiers: ClinVar variation 3055744 (VCV003055744.2), dbSNP rs61997212, ClinGen allele CA843689.

ClinVar aggregate classification (germline): Benign (0 of 4 stars; one submission).

Conditions:
SLC5A9-related disorder. Also called: SLC5A9-related condition.

Allele frequency attached by ClinVar (database versions not stated): 1000 Genomes Project 30x 0.06558; 1000 Genomes Project 0.06589; TOPMed 0.12145; gnomAD 0.12294; ExAC 0.13451; ESP Exome Variant Server 0.14163.
gnomAD v4.1: 268,062 of 1,614,044 alleles (17%); highest among the groups gnomAD compares: Middle Eastern, 21%; 24,503 homozygotes.

Submission:

PreventionGenetics, part of Exact Sciences
Classification: Benign for SLC5A9-related condition. Last evaluated: 2019-11-18. Review status: no assertion criteria provided. Collection method: clinical testing. Allele origin: germline.
Comment: This variant is classified as benign based on ACMG/AMP sequence variant interpretation guidelines (Richards et al. 2015 PMID: 25741868, with internal and published modifications).